The following is an entry in ClinVar:

ClinVar aggregate classification (germline): Uncertain significance (1 of 4 stars; one submission).

Conditions:
Inborn genetic diseases. Identifiers: MedGen C0950123, MeSH D030342.

gnomAD v4.1: 1 of 1,613,898 alleles (0.000062%); highest among the groups gnomAD compares: African/African-American, 0.0013%; no homozygotes.

Submission:

Ambry Genetics
Classification: Uncertain significance for Inborn genetic diseases. Last evaluated: 2026-04-22. Review status: criteria provided, single submitter. Criteria: Ambry Variant Classification Scheme 2023. Collection method: clinical testing. Allele origin: germline.
Comment: The p.K1591R variant (also known as c.4772A>G), located in coding exon 32 of the ANKRD26 gene, results from an A to G substitution at nucleotide position 4772. The lysine at codon 1591 is replaced by arginine, an amino acid with highly similar properties. This amino acid position is conserved. In addition, this alteration is predicted to be tolerated by in silico analysis. Based on the available evidence, the clinical significance of this variant remains unclear.

NM_014915.3(ANKRD26):c.4772A>G (p.Lys1591Arg)

Gene: ANKRD26 (ankyrin repeat domain 26; minus strand). Cytogenetic location: 10p12.1.
Variant type: single nucleotide variant.
Coding change: c.4772A>G on transcript NM_014915.3 (MANE Select); coding-DNA position 4772, A replaced by G.
Protein change: p.Lys1591Arg; replaces lysine 1591 with arginine.
Molecular consequence: missense variant.
Genome position (GRCh38, 1-based): chr10:27,013,063, T>C on the plus strand (A>G on the coding strand, the complement: ANKRD26 is on the minus strand). VCF-style: chr10-27013063-T-C. GRCh37 (hg19) VCF-style: chr10-27301992-T-C.
Other names: c.4769A>G, p.Lys1590Arg (NM_001256053.2); short protein forms K1590R, K1591R.
Identifiers: ClinVar variation 4858961 (VCV004858961.1).